The following is an entry in ClinVar:

NM_000179.3(MSH6):c.292G>A (p.Ala98Thr)

Gene: MSH6 (mutS homolog 6; plus strand). Cytogenetic location: 2p16.3.
Variant type: single nucleotide variant.
Coding change: c.292G>A on transcript NM_000179.3 (MANE Select); coding-DNA position 292, G replaced by A.
Protein change: p.Ala98Thr; replaces alanine 98 with threonine.
Molecular consequence: missense variant. On other transcripts: 5 prime UTR variant (2), intron variant (1).
Genome position (GRCh38, 1-based): chr2:47,790,958, G>A. VCF-style: chr2-47790958-G-A. GRCh37 (hg19) VCF-style: chr2-48018097-G-A.
Other names: c.-611G>A (NM_001281494.2); c.237+7488G>A (NM_001281492.2); c.-445G>A (NM_001281493.2); short protein forms A98T.
Identifiers: ClinVar variation 921910 (VCV000921910.6), dbSNP rs878853725, ClinGen allele CA346736658.

ClinVar aggregate classification (germline): Uncertain significance. Review status: criteria provided, multiple submitters, no conflicts (2 of 4 stars). 3 submissions from 3 submitters: Uncertain significance (3). Last evaluated 2025-09-24.

Conditions:
Hereditary nonpolyposis colorectal neoplasms. Identifiers: MedGen C0009405, MeSH D003123.
Hereditary cancer-predisposing syndrome. Also called: Neoplastic Syndromes, Hereditary; Tumor predisposition; Hereditary Cancer Syndrome; Hereditary neoplastic syndrome. Identifiers: Orphanet 140162, MedGen C0027672, MeSH D009386, MONDO:0015356.

Submissions (3):

Labcorp Genetics (formerly Invitae), Labcorp
Classification: Uncertain significance for Hereditary nonpolyposis colorectal neoplasms. Last evaluated: 2025-09-24. Review status: criteria provided, single submitter. Criteria: Invitae Variant Classification Sherloc (09022015). Collection method: clinical testing. Allele origin: germline.
Comment: This sequence change replaces alanine, which is neutral and non-polar, with threonine, which is neutral and polar, at codon 98 of the MSH6 protein (p.Ala98Thr). This variant is not present in population databases (gnomAD no frequency). This variant has not been reported in the literature in individuals affected with MSH6-related conditions. ClinVar contains an entry for this variant (Variation ID: 921910). Invitae Evidence Modeling of protein sequence and biophysical properties (such as structural, functional, and spatial information, amino acid conservation, physicochemical variation, residue mobility, and thermodynamic stability) indicates that this missense variant is not expected to disrupt MSH6 protein function with a negative predictive value of 95%. In summary, the available evidence is currently insufficient to determine the role of this variant in disease. Therefore, it has been classified as a Variant of Uncertain Significance.

Ambry Genetics
Classification: Uncertain significance for Hereditary cancer-predisposing syndrome. Last evaluated: 2022-07-19. Review status: criteria provided, single submitter. Criteria: Ambry Variant Classification Scheme 2023. Collection method: clinical testing. Allele origin: germline.
Comment: The p.A98T variant (also known as c.292G>A), located in coding exon 2 of the MSH6 gene, results from a G to A substitution at nucleotide position 292. The alanine at codon 98 is replaced by threonine, an amino acid with similar properties. This amino acid position is conserved. In addition, the in silico prediction for this alteration is inconclusive. Since supporting evidence is limited at this time, the clinical significance of this alteration remains unclear.

Color Diagnostics, LLC DBA Color Health
Classification: Uncertain significance for Hereditary cancer-predisposing syndrome. Last evaluated: 2019-12-04. Review status: criteria provided, single submitter. Criteria: ACMG Guidelines, 2015. Collection method: clinical testing. Allele origin: germline.
Comment: This missense variant replaces alanine with threonine at codon 98 of the MSH6 protein. Computational prediction is inconclusive regarding the impact of this variant on protein structure and function (internally defined REVEL score threshold 0.5 < inconclusive < 0.7, PMID: 27666373). Splice site prediction tools suggest that this variant may not impact RNA splicing. To our knowledge, functional studies have not been performed for this variant. This variant has not been reported in individuals affected with hereditary cancer in the literature. This variant has not been identified in the general population by the Genome Aggregation Database (gnomAD). The available evidence is insufficient to determine the role of this variant in disease conclusively. Therefore, this variant is classified as a Variant of Uncertain Significance.